The following is an entry in ClinVar:

NM_017617.5(NOTCH1):c.6218G>C (p.Ser2073Thr)

Gene: NOTCH1 (notch receptor 1; minus strand). Cytogenetic location: 9q34.3.
Variant type: single nucleotide variant.
Coding change: c.6218G>C on transcript NM_017617.5 (MANE Select); coding-DNA position 6218, G replaced by C.
Protein change: p.Ser2073Thr; replaces serine 2073 with threonine.
Molecular consequence: missense variant.
Genome position (GRCh38, 1-based): chr9:136,497,521, C>G on the plus strand (G>C on the coding strand, the complement: NOTCH1 is on the minus strand). VCF-style: chr9-136497521-C-G. GRCh37 (hg19) VCF-style: chr9-139391973-C-G.
Other names: short protein forms S2073T.
Identifiers: ClinVar variation 3921050 (VCV003921050.1).

ClinVar aggregate classification (germline): Uncertain significance (1 of 4 stars; one submission).

Conditions:
Familial thoracic aortic aneurysm and aortic dissection (TAAD). Also called: Thoracic aortic aneurysms and dissections. Identifiers: Orphanet 91387, MedGen C4707243, MONDO:0019625.

Submission:

Ambry Genetics
Classification: Uncertain significance for Familial thoracic aortic aneurysm and aortic dissection. Last evaluated: 2025-04-14. Review status: criteria provided, single submitter. Criteria: Ambry Variant Classification Scheme 2023. Collection method: clinical testing. Allele origin: germline.
Comment: The p.S2073T variant (also known as c.6218G>C), located in coding exon 34 of the NOTCH1 gene, results from a G to C substitution at nucleotide position 6218. The serine at codon 2073 is replaced by threonine, an amino acid with similar properties. This amino acid position is conserved. In addition, the in silico prediction for this alteration is inconclusive. Based on the available evidence, the clinical significance of this variant remains unclear.